The following is an entry in ClinVar:

NM_014014.5(SNRNP200):c.1915A>G (p.Ile639Val)

Gene: SNRNP200 (small nuclear ribonucleoprotein U5 subunit 200; minus strand). Cytogenetic location: 2q11.2.
Variant type: single nucleotide variant.
Coding change: c.1915A>G on transcript NM_014014.5 (MANE Select); coding-DNA position 1915, A replaced by G.
Protein change: p.Ile639Val; replaces isoleucine 639 with valine.
Molecular consequence: missense variant.
Genome position (GRCh38, 1-based): chr2:96,293,437, T>C on the plus strand (A>G on the coding strand, the complement: SNRNP200 is on the minus strand). VCF-style: chr2-96293437-T-C. GRCh37 (hg19) VCF-style: chr2-96959175-T-C.
Other names: short protein forms I639V.
Identifiers: ClinVar variation 2130370 (VCV002130370.4), dbSNP rs2467342804, ClinGen allele CA347680365.
Genomic context (GRCh38, chr2:96,293,437, plus strand): 5'-CATAGTTGGGTAGGGTGGCACTGAGACCAATGAGTCGGACATCCTCTTGGGTCATCTCAA[T>C]GTTTCGGATGGCCCTGGCCACTAAAGCTTCTAAGACAGGACCTCTGTCATCGTGGAGAAG-3'
Protein context (NP_054733.2, residues 629-649): EALVARAIRN[Ile639Val]EMTQEDVRLI

ClinVar aggregate classification (germline): Uncertain significance (1 of 4 stars; one submission).

Submission:

Labcorp Genetics (formerly Invitae), Labcorp
Classification: Uncertain significance. Last evaluated: 2025-09-15. Review status: criteria provided, single submitter. Criteria: Invitae Variant Classification Sherloc (09022015). Collection method: clinical testing. Allele origin: germline.
Comment: This sequence change replaces isoleucine, which is neutral and non-polar, with valine, which is neutral and non-polar, at codon 639 of the SNRNP200 protein (p.Ile639Val). This variant is not present in population databases (gnomAD no frequency). This variant has not been reported in the literature in individuals affected with SNRNP200-related conditions. ClinVar contains an entry for this variant (Variation ID: 2130370). Invitae Evidence Modeling of protein sequence and biophysical properties (such as structural, functional, and spatial information, amino acid conservation, physicochemical variation, residue mobility, and thermodynamic stability) indicates that this missense variant is not expected to disrupt SNRNP200 protein function with a negative predictive value of 95%. In summary, the available evidence is currently insufficient to determine the role of this variant in disease. Therefore, it has been classified as a Variant of Uncertain Significance.